The following is an entry in ClinVar:

ClinVar aggregate classification (germline): Uncertain significance. Review status: criteria provided, multiple submitters, no conflicts (2 of 4 stars). 2 submissions from 2 submitters: Uncertain significance (2). Last evaluated 2023-04-12.

Conditions:
Cryopyrin associated periodic syndrome (CAPS). Identifiers: Orphanet 208650, MedGen C2316212, MONDO:0016168.

Allele frequency attached by ClinVar (database versions not stated): TOPMed below 0.00001; gnomAD exomes 0.00001.
gnomAD v4.1: 17 of 1,613,314 alleles (0.0011%); highest among the groups gnomAD compares: African/African-American, 0.004%; no homozygotes.

Submissions (2):

GeneDx
Classification: Uncertain significance. Last evaluated: 2023-04-12. Review status: criteria provided, single submitter. Criteria: GeneDx Variant Classification Process June 2021. Collection method: clinical testing. Allele origin: germline. Affected: yes.
Comment: Not observed at significant frequency in large population cohorts (gnomAD); In silico analysis supports that this missense variant does not alter protein structure/function; Has not been previously published as pathogenic or benign to our knowledge

Labcorp Genetics (formerly Invitae), Labcorp
Classification: Uncertain significance for Cryopyrin associated periodic syndrome. Last evaluated: 2023-04-12. Review status: criteria provided, single submitter. Criteria: Invitae Variant Classification Sherloc (09022015). Collection method: clinical testing. Allele origin: germline.
Comment: This variant has not been reported in the literature in individuals affected with NLRP3-related conditions. This variant is present in population databases (no rsID available, gnomAD 0.0009%). This sequence change replaces threonine, which is neutral and polar, with alanine, which is neutral and non-polar, at codon 853 of the NLRP3 protein (p.Thr853Ala). In summary, the available evidence is currently insufficient to determine the role of this variant in disease. Therefore, it has been classified as a Variant of Uncertain Significance. Advanced modeling of protein sequence and biophysical properties (such as structural, functional, and spatial information, amino acid conservation, physicochemical variation, residue mobility, and thermodynamic stability) performed at Invitae indicates that this missense variant is not expected to disrupt NLRP3 protein function.

NM_001243133.2(NLRP3):c.2551A>G (p.Thr851Ala)

Gene: NLRP3 (NLR family pyrin domain containing 3; plus strand). Cytogenetic location: 1q44.
Variant type: single nucleotide variant.
Coding change: c.2551A>G on transcript NM_001243133.2 (MANE Select); coding-DNA position 2551, A replaced by G.
Protein change: p.Thr851Ala; replaces threonine 851 with alanine.
Molecular consequence: missense variant. On other transcripts: genic downstream transcript variant (2).
Genome position (GRCh38, 1-based): chr1:247,436,028, A>G. VCF-style: chr1-247436028-A-G. GRCh37 (hg19) VCF-style: chr1-247599330-A-G.
Other names: c.2551A>G, p.Thr851Ala (NM_001079821.3); c.2380A>G, p.Thr794Ala (NM_001127462.3); c.2557A>G, p.Thr853Ala (NM_004895.5); c.2492+1755A>G (NM_001127461.3); c.2321+1755A>G (NM_183395.3); short protein forms T794A, T851A, T853A.
Identifiers: ClinVar variation 2662794 (VCV002662794.4), dbSNP rs200101933, ClinGen allele CA40705812.